The following is an entry in ClinVar:

ClinVar aggregate classification (germline): Uncertain significance. Review status: criteria provided, multiple submitters, no conflicts (2 of 4 stars). 6 submissions from 6 submitters: Uncertain significance (6). Last evaluated 2025-07-02.

Conditions:
Hereditary cancer-predisposing syndrome. Also called: Tumor predisposition; Hereditary Cancer Syndrome; Hereditary neoplastic syndrome; Neoplastic Syndromes, Hereditary. Identifiers: Orphanet 140162, MedGen C0027672, MeSH D009386, MONDO:0015356.
Classic or attenuated familial adenomatous polyposis. Identifiers: MedGen CN372698, MONDO:0021057.
Familial adenomatous polyposis 1 (FAP1). Also called: FAMILIAL ADENOMATOUS POLYPOSIS 1, ATTENUATED; POLYPOSIS, ADENOMATOUS INTESTINAL. Identifiers: MedGen C2713442, MONDO:0021056, OMIM 175100. Disease mechanism: loss of function.

Allele frequency attached by ClinVar (database versions not stated): gnomAD exomes below 0.00001.
gnomAD v4.1: 1 of 1,613,968 alleles (0.000062%); highest among the groups gnomAD compares: Non-Finnish European, 0.000085%; no homozygotes.

Submissions (6):

Mayo Clinic Laboratories, Mayo Clinic
Classification: Uncertain significance. Last evaluated: 2025-07-02. Review status: criteria provided, single submitter. Criteria: ACMG Guidelines, 2015. Collection method: clinical testing. Allele origin: germline. Observed: 1 variant allele.
Comment: BP1, PM2_supporting

Labcorp Genetics (formerly Invitae), Labcorp
Classification: Uncertain significance for Familial adenomatous polyposis 1. Last evaluated: 2025-04-17. Review status: criteria provided, single submitter. Criteria: Invitae Variant Classification Sherloc (09022015). Collection method: clinical testing. Allele origin: germline.
Comment: This sequence change replaces methionine, which is neutral and non-polar, with valine, which is neutral and non-polar, at codon 2419 of the APC protein (p.Met2419Val). This variant is not present in population databases (gnomAD no frequency). This variant has not been reported in the literature in individuals affected with APC-related conditions. ClinVar contains an entry for this variant (Variation ID: 181818). Invitae Evidence Modeling of protein sequence and biophysical properties (such as structural, functional, and spatial information, amino acid conservation, physicochemical variation, residue mobility, and thermodynamic stability) indicates that this missense variant is not expected to disrupt APC protein function with a negative predictive value of 95%. In summary, the available evidence is currently insufficient to determine the role of this variant in disease. Therefore, it has been classified as a Variant of Uncertain Significance.

All of Us Research Program, National Institutes of Health
Classification: Uncertain significance for Classic or attenuated familial adenomatous polyposis. Last evaluated: 2024-07-20. Review status: criteria provided, single submitter. Criteria: ACMG Guidelines, 2015. Collection method: clinical testing. Allele origin: germline. Inheritance: Autosomal dominant inheritance. Observed: 1 variant allele, 1 heterozygote.
Comment: This missense variant replaces methionine with valine at codon 2419 of the APC protein. Computational prediction suggests that this variant may not impact protein structure and function (internally defined REVEL score threshold <= 0.5, PMID: 27666373). Splice site prediction tools suggest that this variant may not impact RNA splicing. To our knowledge, functional studies have not been reported for this variant. This variant has not been reported in individuals affected with hereditary cancer in the literature. This variant has not been identified in the general population by the Genome Aggregation Database (gnomAD). The available evidence is insufficient to determine the role of this variant in disease conclusively. Therefore, this variant is classified as a Variant of Uncertain Significance.

This study involves interpretation of variants in research participants for the purpose of population health screening. Participant phenotype was not available at the time of variant classification. Additional details can be found in publication PMID: 35346344, PMCID: PMC8962531

Ambry Genetics
Classification: Uncertain significance for Hereditary cancer-predisposing syndrome. Last evaluated: 2024-04-23. Review status: criteria provided, single submitter. Criteria: Ambry Variant Classification Scheme 2023. Collection method: clinical testing. Allele origin: germline.
Comment: The p.M2419V variant (also known as c.7255A>G), located in coding exon 15 of the APC gene, results from an A to G substitution at nucleotide position 7255. The methionine at codon 2419 is replaced by valine, an amino acid with highly similar properties. This amino acid position is highly conserved in available vertebrate species. In addition, in silico predictors for this gene do not accurately predict pathogenicity. Missense alterations in APC are not a common cause of disease (Spier I et al. Genet Med. 2024 Feb;26(2):100992). Based on the available evidence, the clinical significance of this variant remains unclear.

Color Diagnostics, LLC DBA Color Health
Classification: Uncertain significance for Hereditary cancer-predisposing syndrome. Last evaluated: 2024-03-06. Review status: criteria provided, single submitter. Criteria: ACMG Guidelines, 2015. Collection method: clinical testing. Allele origin: germline.
Comment: This missense variant replaces methionine with valine at codon 2419 of the APC protein. Computational prediction suggests that this variant may not impact protein structure and function (internally defined REVEL score threshold <= 0.5, PMID: 27666373). Splice site prediction tools suggest that this variant may not impact RNA splicing. To our knowledge, functional studies have not been reported for this variant. This variant has not been reported in individuals affected with hereditary cancer in the literature. This variant has not been identified in the general population by the Genome Aggregation Database (gnomAD). The available evidence is insufficient to determine the role of this variant in disease conclusively. Therefore, this variant is classified as a Variant of Uncertain Significance.

GeneDx
Classification: Uncertain significance. Last evaluated: 2019-09-23. Review status: criteria provided, single submitter. Criteria: GeneDx Variant Classification Process June 2021. Collection method: clinical testing. Allele origin: germline. Affected: yes.
Comment: Not observed in large population cohorts (Lek 2016); In silico analysis, which includes protein predictors and evolutionary conservation, supports that this variant does not alter protein structure/function; Has not been previously published as pathogenic or benign to our knowledge

NM_000038.6(APC):c.7255A>G (p.Met2419Val)

Gene: APC (APC regulator of Wnt signaling pathway; plus strand). Cytogenetic location: 5q22.2.
Variant type: single nucleotide variant.
Coding change: c.7255A>G on transcript NM_000038.6 (MANE Select); coding-DNA position 7255, A replaced by G.
Protein change: p.Met2419Val; replaces methionine 2419 with valine.
Molecular consequence: missense variant.
Genome position (GRCh38, 1-based): chr5:112,842,849, A>G. VCF-style: chr5-112842849-A-G. GRCh37 (hg19) VCF-style: chr5-112178546-A-G.
Other names: p.M2419V:ATG>GTG; p.Met2419Val; c.7255A>G, p.Met2419Val (NM_001127510.3, NM_001354895.2); c.7201A>G, p.Met2401Val (NM_001127511.3); c.7309A>G, p.Met2437Val (NM_001354896.2); c.7285A>G, p.Met2429Val (NM_001354897.2); c.7180A>G, p.Met2394Val (NM_001354898.2); c.7171A>G, p.Met2391Val (NM_001354899.2); and 7 more; short protein forms M2401V, M2419V, M2328V, M2394V, M2429V, M2293V, M2360V, M2378V.
Identifiers: ClinVar variation 181818 (VCV000181818.24), dbSNP rs730881259, ClinGen allele CA012951.